The following is an entry in ClinVar:

ClinVar aggregate classification (germline): Pathogenic (1 of 4 stars; one submission).

Conditions:
Maple syrup urine disease (MSUD). Identifiers: Orphanet 511, MedGen C0024776, MeSH D008375, MONDO:0009563. Disease mechanism: loss of function.

Submission:

Labcorp Genetics (formerly Invitae), Labcorp
Classification: Pathogenic for Maple syrup urine disease. Last evaluated: 2019-09-01. Review status: criteria provided, single submitter. Criteria: Invitae Variant Classification Sherloc (09022015). Collection method: clinical testing. Allele origin: germline.
Comment: Loss-of-function variants in BCKDHB are known to be pathogenic (PMID: 16786533, 22593002). For these reasons, this variant has been classified as Pathogenic. Algorithms developed to predict the effect of sequence changes on RNA splicing suggest that this variant may create or strengthen a splice site, but this prediction has not been confirmed by published transcriptional studies. This variant has not been reported in the literature in individuals with BCKDHB-related conditions. This variant is not present in population databases (ExAC no frequency). This sequence change creates a premature translational stop signal (p.Glu249*) in the BCKDHB gene. It is expected to result in an absent or disrupted protein product.

Literature cited by the submitters: PubMed 16786533; PubMed 22593002.

NM_183050.4(BCKDHB):c.745G>T (p.Glu249Ter)

Gene: BCKDHB (branched chain keto acid dehydrogenase E1 subunit beta; plus strand). Cytogenetic location: 6q14.1.
Variant type: single nucleotide variant.
Coding change: c.745G>T on transcript NM_183050.4 (MANE Select); coding-DNA position 745, G replaced by T.
Protein change: p.Glu249Ter; replaces glutamic acid 249 with a stop codon.
Molecular consequence: nonsense. On other transcripts: non-coding transcript variant (1).
Genome position (GRCh38, 1-based): chr6:80,200,936, G>T. VCF-style: chr6-80200936-G-T. GRCh37 (hg19) VCF-style: chr6-80910653-G-T.
Other names: c.745G>T, p.Glu249Ter (NM_000056.5); c.535G>T, p.Glu179Ter (NM_001318975.1); short protein forms E249*, E179*.
Identifiers: ClinVar variation 942899 (VCV000942899.7), dbSNP rs1774361781, ClinGen allele CA364659888.